The following is an entry in ClinVar:

ClinVar aggregate classification (germline): Conflicting classifications of pathogenicity. Review status: criteria provided, conflicting classifications (1 of 4 stars). 10 submissions from 10 submitters: Uncertain significance (6); Likely benign (2). 2 of the submissions do not count toward it. Last evaluated 2025-12-30.

Conditions:
Classic or attenuated familial adenomatous polyposis. Identifiers: MedGen CN372698, MONDO:0021057.
APC-related disorder. Also called: APC-related condition.
Hereditary cancer-predisposing syndrome. Also called: Neoplastic Syndromes, Hereditary; Hereditary neoplastic syndrome; Hereditary Cancer Syndrome; Tumor predisposition. Identifiers: Orphanet 140162, MedGen C0027672, MeSH D009386, MONDO:0015356.
Familial adenomatous polyposis 1 (FAP1). Also called: POLYPOSIS, ADENOMATOUS INTESTINAL; FAMILIAL ADENOMATOUS POLYPOSIS 1, ATTENUATED. Identifiers: MedGen C2713442, MONDO:0021056, OMIM 175100. Disease mechanism: loss of function.

Allele frequency attached by ClinVar (database versions not stated): gnomAD 0.00001; TOPMed 0.00001; ExAC 0.00002; gnomAD exomes 0.00002.
gnomAD v4.1: 57 of 1,612,982 alleles (0.0035%); highest among the groups gnomAD compares: Non-Finnish European, 0.0046%; no homozygotes.

Submissions (10):

PreventionGenetics, part of Exact Sciences
Classification: Uncertain significance for APC-related condition. Last evaluated: 2025-12-30. Review status: criteria provided, single submitter. Criteria: ACMG Guidelines, 2015. Collection method: clinical testing. Allele origin: germline.
Comment: The APC c.764A>G variant is predicted to result in the amino acid substitution p.His255Arg. This variant was reported in an individual with gastrointestinal cancer (Bhai et al. 2021. PubMed ID: 34326862) and prostate cancer (Kohli et al. 2020. PubMed ID: 32268276). This variant is reported in 0.0035% of alleles in individuals of European (Non-Finnish) descent in gnomAD and has conflicting interpretations in ClinVar ranging from uncertain to likely benign (Variation ID: 236648). At this time, the clinical significance of this variant is uncertain due to the absence of conclusive functional and genetic evidence.

Center for Genomic Medicine, Rigshospitalet, Copenhagen University Hospital
Classification: Likely benign. Last evaluated: 2025-03-04. Review status: criteria provided, single submitter. Criteria: ACMG Guidelines, 2015. Collection method: clinical testing. Allele origin: germline.

Labcorp Genetics (formerly Invitae), Labcorp
Classification: Uncertain significance for Familial adenomatous polyposis 1. Last evaluated: 2025-01-17. Review status: criteria provided, single submitter. Criteria: Invitae Variant Classification Sherloc (09022015). Collection method: clinical testing. Allele origin: germline.
Comment: This sequence change replaces histidine, which is basic and polar, with arginine, which is basic and polar, at codon 255 of the APC protein (p.His255Arg). This variant is present in population databases (rs530670052, gnomAD 0.004%). This missense change has been observed in individual(s) with gastrointestinal cancer (PMID: 34326862). ClinVar contains an entry for this variant (Variation ID: 236648). Invitae Evidence Modeling of protein sequence and biophysical properties (such as structural, functional, and spatial information, amino acid conservation, physicochemical variation, residue mobility, and thermodynamic stability) indicates that this missense variant is not expected to disrupt APC protein function with a negative predictive value of 95%. In summary, the available evidence is currently insufficient to determine the role of this variant in disease. Therefore, it has been classified as a Variant of Uncertain Significance.

Quest Diagnostics Nichols Institute San Juan Capistrano
Classification: Uncertain significance. Last evaluated: 2024-08-16. Review status: criteria provided, single submitter. Criteria: Quest Diagnostics criteria. Collection method: clinical testing. Allele origin: unknown.
Comment: The APC c.764A>G (p.His255Arg) variant has been reported in the published literature in reported in individuals with suspected hereditary cancer syndrome (PMID: 34326862 (2021)) and metastatic prostate cancer (PMID: 32268276 (2020)). The frequency of this variant in the general population, 0.000035 (4/113570 chromosomes (Genome Aggregation Database)), is uninformative in the assessment of its pathogenicity. Analysis of this variant using bioinformatics tools for the prediction of the effect of amino acid changes on protein structure and function yielded predictions that this variant is benign. Based on the available information, we are unable to determine the clinical significance of this variant.

All of Us Research Program, National Institutes of Health
Classification: Uncertain significance for Classic or attenuated familial adenomatous polyposis. Last evaluated: 2023-12-01. Review status: criteria provided, single submitter. Criteria: ACMG Guidelines, 2015. Collection method: clinical testing. Allele origin: germline. Inheritance: Autosomal dominant inheritance. Observed: 5 variant alleles, 5 heterozygotes.
Comment: This missense variant replaces histidine with arginine at codon 255 of the APC protein. Computational prediction suggests that this variant may not impact protein structure and function (internally defined REVEL score threshold <= 0.5, PMID: 27666373). To our knowledge, functional studies have not been reported for this variant. This variant has been reported in an individual affected with prostate cancer (PMID: 32268276). This variant has been identified in 4/251096 chromosomes in the general population by the Genome Aggregation Database (gnomAD). The available evidence is insufficient to determine the role of this variant in disease conclusively. Therefore, this variant is classified as a Variant of Uncertain Significance.

This study involves interpretation of variants in research participants for the purpose of population health screening. Participant phenotype was not available at the time of variant classification. Additional details can be found in publication PMID: 35346344, PMCID: PMC8962531

Color Diagnostics, LLC DBA Color Health
Classification: Uncertain significance for Hereditary cancer-predisposing syndrome. Last evaluated: 2023-10-02. Review status: criteria provided, single submitter. Criteria: ACMG Guidelines, 2015. Collection method: clinical testing. Allele origin: germline.
Comment: This missense variant replaces histidine with arginine at codon 255 of the APC protein. Computational prediction suggests that this variant may not impact protein structure and function (internally defined REVEL score threshold <= 0.5, PMID: 27666373). To our knowledge, functional studies have not been reported for this variant. This variant has been reported in an individual affected with prostate cancer (PMID: 32268276). This variant has been identified in 4/251096 chromosomes in the general population by the Genome Aggregation Database (gnomAD). The available evidence is insufficient to determine the role of this variant in disease conclusively. Therefore, this variant is classified as a Variant of Uncertain Significance.

Ambry Genetics
Classification: Likely benign for Hereditary cancer-predisposing syndrome. Last evaluated: 2022-10-07. Review status: criteria provided, single submitter. Criteria: Ambry Variant Classification Scheme 2023. Collection method: clinical testing. Allele origin: germline.

Women's Health and Genetics/Laboratory Corporation of America, LabCorp
Classification: Uncertain significance. Last evaluated: 2019-09-12. Review status: criteria provided, single submitter. Criteria: LabCorp Variant Classification Summary - May 2015. Collection method: clinical testing. Allele origin: germline.
Comment: Variant summary: APC c.764A>G (p.His255Arg) results in a non-conservative amino acid change in the encoded protein sequence. Four of five in-silico tools predict a benign effect of the variant on protein function. The variant allele was found at a frequency of 1.6e-05 in 251096 control chromosomes. The available data on variant occurrences in the general population are insufficient to allow any conclusion about variant significance. To our knowledge, no occurrence of c.764A>G in individuals affected with Familial Adenomatous Polyposis and no experimental evidence demonstrating its impact on protein function have been reported. Three clinical diagnostic laboratories have submitted clinical-significance assessments for this variant to ClinVar after 2014 without evidence for independent evaluation. All laboratories classified the variant as uncertain significance. Based on the evidence outlined above, the variant was classified as uncertain significance.

Clinical Genetics, Academic Medical Center
Classification: Likely benign. Review status: no assertion criteria provided. Collection method: clinical testing. Allele origin: germline. Affected: yes. Study: VKGL Data-share Consensus. Not counted in ClinVar's aggregate classification.

Joint Genome Diagnostic Labs from Nijmegen and Maastricht, Radboudumc and MUMC+
Classification: Likely benign. Review status: no assertion criteria provided. Collection method: clinical testing. Allele origin: germline. Affected: yes. Study: VKGL Data-share Consensus. Not counted in ClinVar's aggregate classification.

Literature cited by the submitters: PubMed 34326862 (cited by Labcorp Genetics (formerly Invitae), Labcorp and Quest Diagnostics Nichols Institute San Juan Capistrano); PubMed 32268276 (cited by 3 submitters).

NM_000038.6(APC):c.764A>G (p.His255Arg)

Gene: APC (APC regulator of Wnt signaling pathway; plus strand). Cytogenetic location: 5q22.2.
Variant type: single nucleotide variant.
Coding change: c.764A>G on transcript NM_000038.6 (MANE Select); coding-DNA position 764, A replaced by G.
Protein change: p.His255Arg; replaces histidine 255 with arginine.
Molecular consequence: missense variant. On other transcripts: 5 prime UTR variant (1).
Genome position (GRCh38, 1-based): chr5:112,801,313, A>G. VCF-style: chr5-112801313-A-G. GRCh37 (hg19) VCF-style: chr5-112137010-A-G.
Other names: c.764A>G, p.His255Arg (NM_001127510.3, NM_001354895.2, NM_001354896.2 and 1 more transcripts); c.710A>G, p.His237Arg (NM_001127511.3); c.794A>G, p.His265Arg (NM_001354897.2, NM_001354902.2); c.689A>G, p.His230Arg (NM_001354898.2, NM_001354904.2); c.680A>G, p.His227Arg (NM_001354899.2); c.587A>G, p.His196Arg (NM_001354900.2, NM_001354901.2, NM_001354905.2); c.-272A>G (NM_001354906.2); short protein forms H237R, H255R, H196R, H227R, H265R, H230R.
Identifiers: ClinVar variation 236648 (VCV000236648.26), dbSNP rs530670052, ClinGen allele CA048853.